The following is an entry in ClinVar:

ClinVar aggregate classification (germline): Uncertain significance (1 of 4 stars; one submission).

Conditions:
Nephronophthisis 18 (NPHP18). Identifiers: Orphanet 655, MedGen C3890591, MONDO:0014374, OMIM 615862.

Submission:

Labcorp Genetics (formerly Invitae), Labcorp
Classification: Uncertain significance for Nephronophthisis 18. Last evaluated: 2022-08-16. Review status: criteria provided, single submitter. Criteria: Invitae Variant Classification Sherloc (09022015). Collection method: clinical testing. Allele origin: germline.
Comment: In summary, the available evidence is currently insufficient to determine the role of this variant in disease. Therefore, it has been classified as a Variant of Uncertain Significance. Variants that disrupt the consensus splice site are a relatively common cause of aberrant splicing (PMID: 17576681, 9536098). Algorithms developed to predict the effect of sequence changes on RNA splicing suggest that this variant is not likely to affect RNA splicing. This variant has not been reported in the literature in individuals affected with CEP83-related conditions. This variant is not present in population databases (gnomAD no frequency). This sequence change falls in intron 13 of the CEP83 gene. It does not directly change the encoded amino acid sequence of the CEP83 protein. It affects a nucleotide within the consensus splice site.

Literature cited by the submitters: PubMed 17576681; PubMed 9536098.

NM_016122.3(CEP83):c.1578-3C>T

Gene: CEP83 (centrosomal protein 83; minus strand). Cytogenetic location: 12q22.
Variant type: single nucleotide variant.
Coding change: c.1578-3C>T on transcript NM_016122.3 (MANE Select); 3 bases into the intron before coding-DNA position 1578, C replaced by T.
Molecular consequence: intron variant.
Genome position (GRCh38, 1-based): chr12:94,331,832, G>A on the plus strand (C>T on the coding strand, the complement: CEP83 is on the minus strand). VCF-style: chr12-94331832-G-A. GRCh37 (hg19) VCF-style: chr12-94725608-G-A.
Other names: c.1578-3C>T (NM_001346457.2, NM_001042399.2, NM_001368038.1 and 1 more transcripts); c.1266-3C>T (NM_001346459.2, NM_001346458.2, NM_001368040.1 and 1 more transcripts); c.1353-3C>T (NM_001368041.1).
Identifiers: ClinVar variation 2017831 (VCV002017831.4), dbSNP rs1396175605, ClinGen allele CA693666199.